The following is an entry in ClinVar:

ClinVar aggregate classification (germline): Likely pathogenic. Review status: criteria provided, single submitter (1 of 4 stars). 2 submissions from 2 submitters: Likely pathogenic (1). 1 of the submissions does not count toward it. Last evaluated 2024-05-28.

Conditions:
Angelman syndrome (AS). Also called: HAPPY PUPPET SYNDROME. Identifiers: Orphanet 72, MedGen C0162635, MONDO:0007113, OMIM 105830. Disease mechanism: loss of function. Inheritance: imprinting disorder, AS is caused by disruption of maternally imprinted UBE3A located within the 15q11.2-q13 Angelman syndrome/Prader-Willi syndrome (AS/PWS) region..

Submissions (2):

Labcorp Genetics (formerly Invitae), Labcorp
Classification: Likely pathogenic for Angelman syndrome. Last evaluated: 2024-05-28. Review status: criteria provided, single submitter. Criteria: Invitae Variant Classification Sherloc (09022015). Collection method: clinical testing. Allele origin: germline.
Comment: This sequence change replaces isoleucine, which is neutral and non-polar, with threonine, which is neutral and polar, at codon 130 of the UBE3A protein (p.Ile130Thr). This variant is not present in population databases (gnomAD no frequency). This missense change has been observed in individual(s) with Angelman syndrome (PMID: 15054837). In at least one individual the variant was observed to be de novo. This variant is also known as 975T>C. ClinVar contains an entry for this variant (Variation ID: 7969). Advanced modeling of protein sequence and biophysical properties (such as structural, functional, and spatial information, amino acid conservation, physicochemical variation, residue mobility, and thermodynamic stability) performed at Invitae indicates that this missense variant is expected to disrupt UBE3A protein function with a positive predictive value of 80%. Experimental studies have shown that this missense change affects UBE3A function (PMID: 26255772, 33607653, 34815418). In summary, the currently available evidence indicates that the variant is pathogenic, but additional data are needed to prove that conclusively. Therefore, this variant has been classified as Likely Pathogenic.

OMIM
Classification: Pathogenic for ANGELMAN SYNDROME. Last evaluated: 2004-04-30. Review status: no assertion criteria provided. Collection method: literature only. Allele origin: germline. Not counted in ClinVar's aggregate classification.

Literature cited by the submitters: PubMed 15054837 (cited by Labcorp Genetics (formerly Invitae), Labcorp and OMIM); PubMed 26255772 (cited by Labcorp Genetics (formerly Invitae), Labcorp); PubMed 33607653 (cited by Labcorp Genetics (formerly Invitae), Labcorp); PubMed 34815418 (cited by Labcorp Genetics (formerly Invitae), Labcorp).

NM_130839.5(UBE3A):c.449T>C (p.Ile150Thr)

Genes: SNHG14 (small nucleolar RNA host gene 14; plus strand), UBE3A (ubiquitin protein ligase E3A; minus strand). Cytogenetic location: 15q11.2.
Variant type: single nucleotide variant.
Coding change: c.449T>C on transcript NM_130839.5 (MANE Select); coding-DNA position 449, T replaced by C.
Protein change: p.Ile150Thr; replaces isoleucine 150 with threonine.
Molecular consequence: missense variant. On other transcripts: non-coding transcript variant (1), intron variant (2).
Genome position (GRCh38, 1-based): chr15:25,371,725, A>G on the plus strand (T>C on the coding strand, the complement: UBE3A is on the minus strand). VCF-style: chr15-25371725-A-G. GRCh37 (hg19) VCF-style: chr15-25616872-A-G.
Other names: c.389T>C, p.Ile130Thr (NM_130838.4, NM_001354506.2, NM_001354507.2 and 17 more transcripts); c.301+3740T>C (NM_001354551.2); c.361+3740T>C (NM_001354550.2); c.458T>C, p.Ile153Thr (NM_000462.5); c.449T>C, p.Ile150Thr (NM_001354505.1, NM_001354538.2, NM_001354545.2); c.272T>C, p.Ile91Thr (NM_001354546.2); short protein forms I130T, I91T, I150T, I153T.
Identifiers: ClinVar variation 7969 (VCV000007969.4), dbSNP rs111033597, ClinGen allele CA325628.